The following is an entry in ClinVar:

ClinVar aggregate classification (germline): Uncertain significance (1 of 4 stars; one submission).

gnomAD v4.1: 1 of 1,608,272 alleles (0.000062%); highest among the groups gnomAD compares: Non-Finnish European, 0.000085%; no homozygotes.

Submission:

Labcorp Genetics (formerly Invitae), Labcorp
Classification: Uncertain significance. Last evaluated: 2025-07-27. Review status: criteria provided, single submitter. Criteria: Invitae Variant Classification Sherloc (09022015). Collection method: clinical testing. Allele origin: germline.
Comment: This sequence change replaces asparagine, which is neutral and polar, with histidine, which is basic and polar, at codon 727 of the KIF11 protein (p.Asn727His). This variant is not present in population databases (gnomAD no frequency). This variant has not been reported in the literature in individuals affected with KIF11-related conditions. Invitae Evidence Modeling of protein sequence and biophysical properties (such as structural, functional, and spatial information, amino acid conservation, physicochemical variation, residue mobility, and thermodynamic stability) indicates that this missense variant is not expected to disrupt KIF11 protein function with a negative predictive value of 95%. In summary, the available evidence is currently insufficient to determine the role of this variant in disease. Therefore, it has been classified as a Variant of Uncertain Significance.

NM_004523.4(KIF11):c.2179A>C (p.Asn727His)

Gene: KIF11 (kinesin family member 11; plus strand). Cytogenetic location: 10q23.33.
Variant type: single nucleotide variant.
Coding change: c.2179A>C on transcript NM_004523.4 (MANE Select); coding-DNA position 2179, A replaced by C.
Protein change: p.Asn727His; replaces asparagine 727 with histidine.
Molecular consequence: missense variant.
Genome position (GRCh38, 1-based): chr10:92,639,812, A>C. VCF-style: chr10-92639812-A-C. GRCh37 (hg19) VCF-style: chr10-94399569-A-C.
Other names: short protein forms N727H.
Identifiers: ClinVar variation 4798371 (VCV004798371.1).